The following is an entry in ClinVar:

ClinVar aggregate classification (germline): Likely pathogenic (1 of 4 stars; one submission).

Conditions:
Primary ciliary dyskinesia. Also called: Ciliary dyskinesia. Identifiers: Orphanet 244, MedGen C0008780, MONDO:0016575, HP:0012265.

Allele frequency attached by ClinVar (database versions not stated): gnomAD exomes below 0.00001.
gnomAD v4.1: 1 of 1,613,596 alleles (0.000062%); highest among the groups gnomAD compares: African/African-American, 0.0013%; no homozygotes.

Submission:

Labcorp Genetics (formerly Invitae), Labcorp
Classification: Likely pathogenic for Primary ciliary dyskinesia. Last evaluated: 2023-12-22. Review status: criteria provided, single submitter. Criteria: Invitae Variant Classification Sherloc (09022015). Collection method: clinical testing. Allele origin: germline.
Comment: This sequence change affects an acceptor splice site in intron 22 of the DNAH11 gene. It is expected to disrupt RNA splicing. Variants that disrupt the donor or acceptor splice site typically lead to a loss of protein function (PMID: 16199547), and loss-of-function variants in DNAH11 are known to be pathogenic (PMID: 18022865, 20513915, 22184204). This variant is present in population databases (no rsID available, gnomAD 0.007%). This variant has not been reported in the literature in individuals affected with DNAH11-related conditions. Algorithms developed to predict the effect of sequence changes on RNA splicing suggest that this variant may disrupt the consensus splice site. In summary, the currently available evidence indicates that the variant is pathogenic, but additional data are needed to prove that conclusively. Therefore, this variant has been classified as Likely Pathogenic.

Literature cited by the submitters: PubMed 16199547; PubMed 18022865; PubMed 20513915; PubMed 22184204.

NM_001277115.2(DNAH11):c.4096-2A>G

Gene: DNAH11 (dynein axonemal heavy chain 11; plus strand). Cytogenetic location: 7p15.3.
Variant type: single nucleotide variant.
Coding change: c.4096-2A>G on transcript NM_001277115.2 (MANE Select); the canonical splice acceptor site of the intron before coding-DNA position 4096, A replaced by G.
Molecular consequence: splice acceptor variant.
Genome position (GRCh38, 1-based): chr7:21,617,617, A>G. VCF-style: chr7-21617617-A-G. GRCh37 (hg19) VCF-style: chr7-21657235-A-G.
Identifiers: ClinVar variation 2892430 (VCV002892430.3), dbSNP rs1369201943, ClinGen allele CA366951963.